The following is an entry in ClinVar:

ClinVar aggregate classification (germline): Uncertain significance (1 of 4 stars; one submission).

Submission:

Laboratory for Molecular Medicine, Mass General Brigham Personalized Medicine
Classification: Uncertain significance. Last evaluated: 2017-05-18. Review status: criteria provided, single submitter. Criteria: LMM Criteria. Collection method: clinical testing. Allele origin: germline. Observed: 1 variant allele.
Comment: The p.Lys205Gln variant in TPM1 has not been previously reported in individuals with cardiomyopathy or in large population studies. Computational prediction too ls and conservation analysis do not provide strong support for or against an imp act to the protein. In summary, the clinical significance of the p.Lys205Gln var iant is uncertain.

NM_001018005.2(TPM1):c.563+308A>C

Gene: TPM1 (tropomyosin 1; plus strand). Cytogenetic location: 15q22.2.
Variant type: single nucleotide variant.
Coding change: c.563+308A>C on transcript NM_001018005.2 (MANE Select); 308 bases into the intron after coding-DNA position 563, A replaced by C.
Molecular consequence: intron variant. On other transcripts: missense variant (6).
Genome position (GRCh38, 1-based): chr15:63,061,247, A>C. VCF-style: chr15-63061247-A-C. GRCh37 (hg19) VCF-style: chr15-63353446-A-C.
Other names: c.613A>C, p.Lys205Gln (NM_000366.6, NM_001018006.2, NM_001018020.2); c.505A>C, p.Lys169Gln (NM_001330344.2, NM_001330351.2, NM_001365781.2); c.689+308A>C (NM_001365778.1); c.563+308A>C (NM_001018007.2, NM_001365776.1, NM_001018004.2 and 3 more transcripts); c.455+308A>C (NM_001018008.2, NM_001301289.2, NM_001365782.1 and 2 more transcripts); short protein forms K205Q, K169Q.
Identifiers: ClinVar variation 517396 (VCV000517396.5), dbSNP rs1555409301, ClinGen allele CA392723657.